The following is an entry in ClinVar:

NR_003051.4(RMRP):n.255_267del

Gene: RMRP (RNA component of mitochondrial RNA processing endoribonuclease; minus strand). Cytogenetic location: 9p13.3.
Variant type: Deletion.
Molecular consequence: non-coding transcript variant (on NR_003051.4).
Genome position: GRCh38 VCF-style: chr9-35657752-CAGCCGCGCTGAGA-C. GRCh37 (hg19) VCF-style: chr9-35657749-CAGCCGCGCTGAGA-C.
Identifiers: ClinVar variation 2719048 (VCV002719048.3), dbSNP rs2490599484, ClinGen allele CA2697557713.

ClinVar aggregate classification (germline): Uncertain significance (1 of 4 stars; one submission).

Conditions:
Anauxetic dysplasia. Identifiers: Orphanet 93347, MedGen C1846796, MONDO:0011773.

Submission:

Labcorp Genetics (formerly Invitae), Labcorp
Classification: Uncertain significance for Anauxetic dysplasia. Last evaluated: 2023-06-18. Review status: criteria provided, single submitter. Criteria: Invitae Variant Classification Sherloc (09022015). Collection method: clinical testing. Allele origin: germline.
Comment: Experimental studies and prediction algorithms are not available or were not evaluated, and the functional significance of this variant is currently unknown. This variant occurs in the RMRP gene, which encodes an RNA molecule that does not result in a protein product. This variant is not present in population databases (gnomAD no frequency). This variant has not been reported in the literature in individuals affected with RMRP-related conditions. In summary, the available evidence is currently insufficient to determine the role of this variant in disease. Therefore, it has been classified as a Variant of Uncertain Significance.